The following is an entry in ClinVar:

NM_004281.4(BAG3):c.910C>T (p.Gln304Ter)

Gene: BAG3 (BAG cochaperone 3; plus strand). Cytogenetic location: 10q26.11.
Variant type: single nucleotide variant.
Coding change: c.910C>T on transcript NM_004281.4 (MANE Select); coding-DNA position 910, C replaced by T.
Protein change: p.Gln304Ter; replaces glutamine 304 with a stop codon.
Molecular consequence: nonsense.
Genome position (GRCh38, 1-based): chr10:119,676,464, C>T. VCF-style: chr10-119676464-C-T. GRCh37 (hg19) VCF-style: chr10-121435976-C-T.
Other names: short protein forms Q304*.
Identifiers: ClinVar variation 1324260 (VCV001324260.7), dbSNP rs2134068635, ClinGen allele CA378296241.

ClinVar aggregate classification (germline): Pathogenic/Likely pathogenic. Review status: criteria provided, multiple submitters, no conflicts (2 of 4 stars). 2 submissions from 2 submitters: Pathogenic (1); Likely pathogenic (1). Last evaluated 2024-08-22.

Conditions:
Myofibrillar myopathy 6. Identifiers: Orphanet 199340, MedGen C2751831, MONDO:0013061, OMIM 612954.
Dilated cardiomyopathy 1HH (CMD1HH). Identifiers: Orphanet 154, MedGen C3151293, MONDO:0013479, OMIM 613881.
Cardiovascular phenotype. Identifiers: MedGen CN230736.

Submissions (2):

Labcorp Genetics (formerly Invitae), Labcorp
Classification: Pathogenic for Dilated cardiomyopathy 1HH; Myofibrillar myopathy 6. Last evaluated: 2024-08-22. Review status: criteria provided, single submitter. Criteria: Invitae Variant Classification Sherloc (09022015). Collection method: clinical testing. Allele origin: germline.
Comment: This sequence change creates a premature translational stop signal (p.Gln304*) in the BAG3 gene. While this is not anticipated to result in nonsense mediated decay, it is expected to disrupt the last 272 amino acid(s) of the BAG3 protein. This variant is not present in population databases (gnomAD no frequency). This premature translational stop signal has been observed in individual(s) with dilated cardiomyopathy (PMID: 26383716). ClinVar contains an entry for this variant (Variation ID: 1324260). This variant disrupts a region of the BAG3 protein in which other variant(s) (p.Arg473*) have been determined to be pathogenic (internal data). This suggests that this is a clinically significant region of the protein, and that variants that disrupt it are likely to be disease-causing. For these reasons, this variant has been classified as Pathogenic.

Ambry Genetics
Classification: Likely pathogenic for Cardiovascular phenotype. Last evaluated: 2023-10-25. Review status: criteria provided, single submitter. Criteria: Ambry Variant Classification Scheme 2023. Collection method: clinical testing. Allele origin: germline.
Comment: The p.Q304* variant (also known as c.910C>T), located in coding exon 4 of the BAG3 gene, results from a C to T substitution at nucleotide position 910. This changes the amino acid from a glutamine to a stop codon within coding exon 4. This alteration occurs at the 3' terminus of theBAG3 gene, is not expected to trigger nonsense-mediated mRNA decay, and only impacts the last 48% of the protein. However, premature stop codons are typically deleterious in nature and the impacted region is critical for protein function and a significant portion of the protein is affected (Ambry internal data). This alteration has also been reported in association with dilated cardiomyopathy (DCM) (Hazebroek MR et al. J Am Coll Cardiol, 2015 Sep;66:1313-23; Verdonschot JAJ et al. Circ Genom Precis Med, 2020 Oct;13:476-487). This variant is considered to be rare based on population cohorts in the Genome Aggregation Database (gnomAD). Based on the majority of available evidence to date, this variant is likely to be pathogenic.

Literature cited by the submitters: PubMed 26383716 (cited by Labcorp Genetics (formerly Invitae), Labcorp and Ambry Genetics); PubMed 32880476 (cited by Ambry Genetics).